The following is an entry in ClinVar:

NM_001614.5(ACTG1):c.791C>T (p.Pro264Leu)

Gene: ACTG1 (actin gamma 1; minus strand). Cytogenetic location: 17q25.3.
Variant type: single nucleotide variant.
Coding change: c.791C>T on transcript NM_001614.5 (MANE Select); coding-DNA position 791, C replaced by T.
Protein change: p.Pro264Leu; replaces proline 264 with leucine.
Molecular consequence: missense variant. On other transcripts: non-coding transcript variant (1).
Genome position (GRCh38, 1-based): chr17:81,511,199, G>A on the plus strand (C>T on the coding strand, the complement: ACTG1 is on the minus strand). VCF-style: chr17-81511199-G-A. GRCh37 (hg19) VCF-style: chr17-79478225-G-A.
Other names: c.791C>T (NM_001614.4); c.791C>T, p.Pro264Leu (NM_001199954.3); short protein forms P264L.
Identifiers: ClinVar variation 18318 (VCV000018318.5), dbSNP rs104894546, ClinGen allele CA258160.

ClinVar aggregate classification (germline): Pathogenic. Review status: criteria provided, multiple submitters, no conflicts (2 of 4 stars). 5 submissions from 5 submitters: Pathogenic (4). 1 of the submissions does not count toward it. Last evaluated 2024-09-21.

Conditions:
ACTG1-related disorder. Also called: ACTG1-related condition; ACTG1-related disorders.
Autosomal dominant nonsyndromic hearing loss 20. Identifiers: Orphanet 90635, MedGen C1858172, MONDO:0011480, OMIM 604717.

Submissions (5):

Victorian Clinical Genetics Services, Murdoch Childrens Research Institute
Classification: Pathogenic for Autosomal dominant nonsyndromic hearing loss 20. Last evaluated: 2024-09-21. Review status: criteria provided, single submitter. Criteria: ACMG Guidelines, 2015. Collection method: clinical testing. Allele origin: germline. Inheritance: Autosomal dominant inheritance. Affected: yes.
Comment: Based on the classification scheme VCGS_Germline_v1.3.4, this variant is classified as Pathogenic. Following criteria are met: 0101 - Gain of function is a known mechanism of disease in this gene and is associated with Baraitser-Winter syndrome 2 (MIM#614583) and deafness, 20/26 (MIM#604717). Missense variants in this gene have been shown to increase actin polymerization (PMID: 19477959), where the same variants have been reported for both conditions (PMID: 29620237). (I) 0107 - This gene is associated with autosomal dominant disease. (I) 0200 - Variant is predicted to result in a missense amino acid change from proline to leucine. (I) 0251 - This variant is heterozygous. (I) 0301 - Variant is absent from gnomAD (both v2 and v3). (SP) 0309 - An alternative amino acid change at the same position has been observed in gnomAD (v2) (2 heterozygotes, 0 homozygotes). (I) 0501 - Missense variant consistently predicted to be damaging by multiple in silico tools or highly conserved with a major amino acid change. (SP) 0600 - Variant is located in the annotated actin domain (DECIPHER). (I) 0802 - This variant has moderate previous evidence of pathogenicity in unrelated individuals. This variant has been classified as pathogenic (ClinVar), and reported in at least two unrelated individuals with progressive hearing loss (PMID: 13680526, PMID: 32341388). (SP) 0901 - This variant has strong evidence for segregation with disease. This variant has segregated in eleven affected individuals within a single family with hearing loss (PMID: 13680526). (SP) 1002 - This variant has moderate functional evidence supporting abnormal protein function. Functional studies using yeast cofilin and light scattering has shown this variant has a mild effect on protein function (PMID: 19419963), and mice homozygous for this variant had hearing loss (PMID: 22200607). (SP) 1208 - Inheritance information for this variant is not currently available in this individual. (I) Legend: (SP) - Supporting pathogenic, (I) - Information, (SB) - Supporting benign

Blueprint Genetics
Classification: Pathogenic for ACTG1-related disorders. Last evaluated: 2024-05-17. Review status: criteria provided, single submitter. Criteria: ACMG Guidelines, 2015. Collection method: clinical testing. Allele origin: germline. Affected: yes. Observed: 5 variant alleles.

GeneDx
Classification: Pathogenic. Last evaluated: 2018-04-17. Review status: criteria provided, single submitter. Criteria: GeneDx Variant Classification (06012015). Collection method: clinical testing. Allele origin: germline. Affected: yes.
Comment: The P264L variant in the ACTG1 gene has been reported previously to segregate in a family with hearing loss (Zhu et al., 2003). The P264L variant is not observed in large population cohorts (Lek et al., 2016). The P264L variant is a semi-conservative amino acid substitution, which may impact secondary protein structure as these residues differ in some properties. In-silico analyses, including protein predictors and evolutionary conservation, support a deleterious effect. In addition, mice homozygous for the P264L variant developed hearing loss (Drummond et al., 2012). We interpret P264L as a pathogenic variant.

Clinical Genetics Service, Universitary Hospital 12 de Octubre
Classification: Pathogenic for Autosomal dominant nonsyndromic hearing loss 20. Review status: criteria provided, single submitter. Criteria: ACMG Guidelines, 2015. Collection method: clinical testing. Allele origin: germline. Affected: yes.

OMIM
Classification: Pathogenic for DEAFNESS, AUTOSOMAL DOMINANT 20. Last evaluated: 2003-11-01. Review status: no assertion criteria provided. Collection method: literature only. Allele origin: germline. Not counted in ClinVar's aggregate classification.

Literature cited by the submitters: PubMed 13680526 (cited by Victorian Clinical Genetics Services, Murdoch Childrens Research Institute and OMIM); PubMed 19419963 (cited by Victorian Clinical Genetics Services, Murdoch Childrens Research Institute); PubMed 19477959 (cited by Victorian Clinical Genetics Services, Murdoch Childrens Research Institute); PubMed 22200607 (cited by Victorian Clinical Genetics Services, Murdoch Childrens Research Institute); PubMed 29620237 (cited by Victorian Clinical Genetics Services, Murdoch Childrens Research Institute); PubMed 32341388 (cited by Victorian Clinical Genetics Services, Murdoch Childrens Research Institute); PubMed 12519370 (cited by OMIM).